The following is an entry in ClinVar:

NM_000384.3(APOB):c.11823A>G (p.Leu3941=)

Gene: APOB (apolipoprotein B; minus strand). Cytogenetic location: 2p24.1.
Variant type: single nucleotide variant.
Coding change: c.11823A>G on transcript NM_000384.3 (MANE Select); coding-DNA position 11823, A replaced by G.
Protein change: p.Leu3941=; no amino-acid change (leucine 3941 retained).
Molecular consequence: synonymous variant.
Genome position (GRCh38, 1-based): chr2:21,004,641, T>C on the plus strand (A>G on the coding strand, the complement: APOB is on the minus strand). VCF-style: chr2-21004641-T-C. GRCh37 (hg19) VCF-style: chr2-21227513-T-C.
Identifiers: ClinVar variation 922777 (VCV000922777.15), dbSNP rs760679295, ClinGen allele CA047736.
Genomic context (GRCh38, chr2:21,004,641, plus strand): 5'-ATCTTCTTCATATTCTGCACTGAAGTCACGGTGTGCAAATGTTCCTTTAGTCTTAGAGGC[T>C]AACGTACCATCTTCGATTTTGTGTGTTCCCAAAACTGTATAGGAGAGATTTTGTATTTTA-3'
Protein context (NP_000375.3, residues 3931-3951): LGTHKIEDGT[Leu3941=]ASKTKGTFAH

ClinVar aggregate classification (germline): Likely benign. Review status: criteria provided, multiple submitters, no conflicts (2 of 4 stars). 5 submissions from 5 submitters: Likely benign (5). Last evaluated 2026-06-01.

Conditions:
Hypercholesterolemia, autosomal dominant, type B (FHCL2). Also called: Familial Hypercholesterolemia Type B; Hyperlipoproteinemia Type IIb; APOB-Related Familial Hypercholesterolemia, Autosomal Dominant; Familial hypercholesterolemia 2; HYPERCHOLESTEROLEMIA, FAMILIAL, DUE TO LIGAND-DEFECTIVE APOLIPOPROTEIN B; APOLIPOPROTEIN B-100, FAMILIAL DEFECTIVE. Identifiers: MedGen C1704417, MONDO:0007751, OMIM 144010.
Familial hypobetalipoproteinemia 1. Also called: Hypobetalipoproteinemia, normotriglyceridemic; Acanthocytosis with hypobetalipoproteinemia; APOB-Related Familial Hypobetalipoproteinemia. Identifiers: MedGen C4551990, MONDO:0014252, OMIM 615558.
Familial hypercholesterolemia. Also called: Familial hypercholesterolemias; Familial hypercholesterolaemia. Identifiers: MedGen C0020445, MONDO:0005439.
Cardiovascular phenotype. Identifiers: MedGen CN230736.

Allele frequency attached by ClinVar (database versions not stated): ExAC 0.00001; gnomAD 0.00001; gnomAD exomes 0.00001 and 0.00002; TOPMed 0.00002.
gnomAD v4.1: 20 of 1,613,812 alleles (0.0012%); highest among the groups gnomAD compares: Middle Eastern, 0.12%; no homozygotes.

Submissions (5):

CeGaT Center for Human Genetics Tuebingen
Classification: Likely benign. Last evaluated: 2026-06-01. Review status: criteria provided, single submitter. Criteria: CeGaT Center For Human Genetics Tuebingen Variant Classification Criteria Version 2. Collection method: clinical testing. Allele origin: germline. Affected: yes. Observed: 1 variant allele.
Comment: APOB: BP4, BP7

Labcorp Genetics (formerly Invitae), Labcorp
Classification: Likely benign for Familial hypobetalipoproteinemia 1; Hypercholesterolemia, autosomal dominant, type B. Last evaluated: 2025-02-06. Review status: criteria provided, single submitter. Criteria: Invitae Variant Classification Sherloc (09022015). Collection method: clinical testing. Allele origin: germline.

GENinCode PLC
Classification: Likely benign for Familial hypercholesterolemia. Last evaluated: 2024-05-08. Review status: criteria provided, single submitter. Criteria: ACMG Guidelines, 2015. Collection method: clinical testing. Allele origin: germline.
Comment: This is a synonymous (silent) variant that is not predicted by SpliceAI to impact splicing. In addition, it occurs at a nucleotide that is not conserved. Therefore this variant has been classified as Likely Benign (BP4, BP7).

Ambry Genetics
Classification: Likely benign for Cardiovascular phenotype. Last evaluated: 2023-04-05. Review status: criteria provided, single submitter. Criteria: Ambry Variant Classification Scheme 2023. Collection method: clinical testing. Allele origin: germline.

Blueprint Genetics
Classification: Likely benign. Last evaluated: 2022-01-17. Review status: criteria provided, single submitter. Criteria: ACMG Guidelines, 2015. Collection method: clinical testing. Allele origin: germline.